The following is an entry in ClinVar:

NM_001378189.1(CFAP57):c.966C>G (p.Ile322Met)

Genes: CFAP57 (cilia and flagella associated protein 57; plus strand), EBNA1BP2 (EBNA1 binding protein 2; minus strand), LOC105378685 (uncharacterized LOC105378685; minus strand). Cytogenetic location: 1p34.2.
Variant type: single nucleotide variant.
Coding change: c.966C>G on transcript NM_001378189.1 (MANE Select); coding-DNA position 966, C replaced by G.
Protein change: p.Ile322Met; replaces isoleucine 322 with methionine.
Molecular consequence: missense variant.
Genome position (GRCh38, 1-based): chr1:43,185,353, C>G. VCF-style: chr1-43185353-C-G. GRCh37 (hg19) VCF-style: chr1-43651024-C-G.
Other names: c.966C>G, p.Ile322Met (NM_001167965.1, NM_001195831.3, NM_152498.3); short protein forms I322M.
Identifiers: ClinVar variation 3037462 (VCV003037462.5), dbSNP rs74857529, ClinGen allele CA804501.

ClinVar aggregate classification (germline): Likely benign. Review status: criteria provided, multiple submitters, no conflicts (2 of 4 stars). 3 submissions from 3 submitters: Likely benign (2). 1 of the submissions does not count toward it. Last evaluated 2026-04-01.

Conditions:
CFAP57-related disorder. Also called: CFAP57-related condition.

Allele frequency attached by ClinVar (database versions not stated): 1000 Genomes Project 30x 0.00172; ExAC 0.00357; gnomAD 0.00381; ESP Exome Variant Server 0.00446; gnomAD exomes 0.00509; 1000 Genomes Project 0.00180; TOPMed 0.00353.
gnomAD v4.1: 7,938 of 1,613,740 alleles (0.49%); highest among the groups gnomAD compares: Non-Finnish European, 0.61%; 23 homozygotes.

Submissions (3):

CeGaT Center for Human Genetics Tuebingen
Classification: Likely benign. Last evaluated: 2026-04-01. Review status: criteria provided, single submitter. Criteria: CeGaT Center For Human Genetics Tuebingen Variant Classification Criteria Version 2. Collection method: clinical testing. Allele origin: germline. Affected: yes. Observed: 1 variant allele.
Comment: CFAP57: BS2

Blueprint Genetics
Classification: Likely benign. Last evaluated: 2024-11-21. Review status: criteria provided, single submitter. Criteria: ACMG Guidelines, 2015. Collection method: clinical testing. Allele origin: germline.

PreventionGenetics, part of Exact Sciences
Classification: Likely benign for CFAP57-related condition. Last evaluated: 2019-07-08. Review status: no assertion criteria provided. Collection method: clinical testing. Allele origin: germline. Not counted in ClinVar's aggregate classification.
Comment: This variant is classified as likely benign based on ACMG/AMP sequence variant interpretation guidelines (Richards et al. 2015 PMID: 25741868, with internal and published modifications).